The following is an entry in ClinVar:

NM_006227.4(PLTP):c.1349C>T (p.Thr450Met)

Gene: PLTP (phospholipid transfer protein; minus strand). Cytogenetic location: 20q13.12.
Variant type: single nucleotide variant.
Coding change: c.1349C>T on transcript NM_006227.4 (MANE Select); coding-DNA position 1349, C replaced by T.
Protein change: p.Thr450Met; replaces threonine 450 with methionine.
Molecular consequence: missense variant.
Genome position (GRCh38, 1-based): chr20:45,899,472, G>A on the plus strand (C>T on the coding strand, the complement: PLTP is on the minus strand). VCF-style: chr20-45899472-G-A. GRCh37 (hg19) VCF-style: chr20-44528111-G-A.
Other names: c.1064C>T, p.Thr355Met (NM_001242920.2); c.1085C>T, p.Thr362Met (NM_001242921.1); c.1193C>T, p.Thr398Met (NM_182676.3); short protein forms T362M, T398M, T355M, T450M.
Identifiers: ClinVar variation 3890699 (VCV003890699.2).

ClinVar aggregate classification (germline): Uncertain significance. Review status: criteria provided, multiple submitters, no conflicts (2 of 4 stars). 2 submissions from 2 submitters: Uncertain significance (2). Last evaluated 2025-04-13.

gnomAD v4.1: 28 of 1,613,900 alleles (0.0017%); highest among the groups gnomAD compares: Admixed American, 0.0033%; no homozygotes.

Submissions (2):

Labcorp Genetics (formerly Invitae), Labcorp
Classification: Uncertain significance. Last evaluated: 2025-04-13. Review status: criteria provided, single submitter. Criteria: Invitae Variant Classification Sherloc (09022015). Collection method: clinical testing. Allele origin: germline.
Comment: This sequence change replaces threonine, which is neutral and polar, with methionine, which is neutral and non-polar, at codon 450 of the PLTP protein (p.Thr450Met). This variant is present in population databases (rs765637739, gnomAD 0.006%). This variant has not been reported in the literature in individuals affected with PLTP-related conditions. An algorithm developed to predict the effect of missense changes on protein structure and function outputs the following: PolyPhen-2: "Benign". The methionine amino acid residue is found in multiple mammalian species, which suggests that this missense change does not adversely affect protein function. In summary, the available evidence is currently insufficient to determine the role of this variant in disease. Therefore, it has been classified as a Variant of Uncertain Significance.

Ambry Genetics
Classification: Uncertain significance. Last evaluated: 2025-03-14. Review status: criteria provided, single submitter. Criteria: Ambry Variant Classification Scheme 2023. Collection method: clinical testing. Allele origin: germline.